The following is an entry in ClinVar:

ClinVar aggregate classification (germline): Likely benign (0 of 4 stars; one submission).

Conditions:
NCOR1-related disorder. Also called: NCOR1-related condition.

Allele frequency attached by ClinVar (database versions not stated): TOPMed below 0.00001.
gnomAD v4.1: 9 of 1,614,082 alleles (0.00056%); highest among the groups gnomAD compares: African/African-American, 0.0027%; no homozygotes.

Submission:

PreventionGenetics, part of Exact Sciences
Classification: Likely benign for NCOR1-related condition. Last evaluated: 2019-05-21. Review status: no assertion criteria provided. Collection method: clinical testing. Allele origin: germline.
Comment: This variant is classified as likely benign based on ACMG/AMP sequence variant interpretation guidelines (Richards et al. 2015 PMID: 25741868, with internal and published modifications).

NM_006311.4(NCOR1):c.3309C>T (p.Pro1103=)

Gene: NCOR1 (nuclear receptor corepressor 1; minus strand). Cytogenetic location: 17p12.
Variant type: single nucleotide variant.
Coding change: c.3309C>T on transcript NM_006311.4 (MANE Select); coding-DNA position 3309, C replaced by T.
Protein change: p.Pro1103=; no amino-acid change (proline 1103 retained).
Molecular consequence: synonymous variant.
Genome position (GRCh38, 1-based): chr17:16,080,499, G>A on the plus strand (C>T on the coding strand, the complement: NCOR1 is on the minus strand). VCF-style: chr17-16080499-G-A. GRCh37 (hg19) VCF-style: chr17-15983813-G-A.
Other names: c.3357C>T, p.Pro1119= (NM_001190440.2).
Identifiers: ClinVar variation 3038527 (VCV003038527.2), dbSNP rs2063227225, ClinGen allele CA498045750.